The following is an entry in ClinVar:

ClinVar aggregate classification (germline): Uncertain significance (1 of 4 stars; one submission).

Allele frequency attached by ClinVar (database versions not stated): ExAC 0.00001.
gnomAD v4.1: 1 of 1,601,886 alleles (0.000062%); highest among the groups gnomAD compares: African/African-American, 0.0013%; no homozygotes.

Submission:

Ambry Genetics
Classification: Uncertain significance. Last evaluated: 2022-10-03. Review status: criteria provided, single submitter. Criteria: Ambry Variant Classification Scheme 2023. Collection method: clinical testing. Allele origin: germline.
Comment: The p.A328S variant (also known as c.982G>T), located in coding exon 11 of the PRKDC gene, results from a G to T substitution at nucleotide position 982. The alanine at codon 328 is replaced by serine, an amino acid with similar properties. This amino acid position is conserved. In addition, this alteration is predicted to be tolerated by in silico analysis. Since supporting evidence is limited at this time, the clinical significance of this alteration remains unclear.

NM_006904.7(PRKDC):c.982G>T (p.Ala328Ser)

Gene: PRKDC (protein kinase, DNA-activated, catalytic subunit; minus strand). Cytogenetic location: 8q11.21.
Variant type: single nucleotide variant.
Coding change: c.982G>T on transcript NM_006904.7 (MANE Select); coding-DNA position 982, G replaced by T.
Protein change: p.Ala328Ser; replaces alanine 328 with serine.
Molecular consequence: missense variant.
Genome position (GRCh38, 1-based): chr8:47,939,682, C>A on the plus strand (G>T on the coding strand, the complement: PRKDC is on the minus strand). VCF-style: chr8-47939682-C-A. GRCh37 (hg19) VCF-style: chr8-48852242-C-A.
Other names: c.982G>T, p.Ala328Ser (NM_001081640.2); short protein forms A328S.
Identifiers: ClinVar variation 1768342 (VCV001768342.2), dbSNP rs777111066, ClinGen allele CA4741858.